The following is an entry in ClinVar:

ClinVar aggregate classification (germline): Uncertain significance (1 of 4 stars; one submission).

Conditions:
Hypertrophic cardiomyopathy. Also called: HYPERTROPHIC MYOCARDIOPATHY. Identifiers: Orphanet 217569, MedGen C0007194, MeSH D002312, MONDO:0005045, HP:0001639.

Submission:

Labcorp Genetics (formerly Invitae), Labcorp
Classification: Uncertain significance for Hypertrophic cardiomyopathy. Last evaluated: 2024-12-30. Review status: criteria provided, single submitter. Criteria: Invitae Variant Classification Sherloc (09022015). Collection method: clinical testing. Allele origin: germline.
Comment: This sequence change replaces valine, which is neutral and non-polar, with alanine, which is neutral and non-polar, at codon 129 of the TPM1 protein (p.Val129Ala). This variant is not present in population databases (gnomAD no frequency). This variant has not been reported in the literature in individuals affected with TPM1-related conditions. An algorithm developed to predict the effect of missense changes on protein structure and function (PolyPhen-2) suggests that this variant is likely to be disruptive. In summary, the available evidence is currently insufficient to determine the role of this variant in disease. Therefore, it has been classified as a Variant of Uncertain Significance.

NM_001018005.2(TPM1):c.386T>C (p.Val129Ala)

Gene: TPM1 (tropomyosin 1; plus strand). Cytogenetic location: 15q22.2.
Variant type: single nucleotide variant.
Coding change: c.386T>C on transcript NM_001018005.2 (MANE Select); coding-DNA position 386, T replaced by C.
Protein change: p.Val129Ala; replaces valine 129 with alanine.
Molecular consequence: missense variant. On other transcripts: non-coding transcript variant (17).
Genome position (GRCh38, 1-based): chr15:63,059,574, T>C. VCF-style: chr15-63059574-T-C. GRCh37 (hg19) VCF-style: chr15-63351773-T-C.
Other names: c.386T>C, p.Val129Ala (NM_000366.6, NM_001018004.2, NM_001018020.2 and 20 more transcripts); c.278T>C, p.Val93Ala (NM_001018008.2, NM_001301289.2, NM_001330344.2 and 9 more transcripts); c.512T>C, p.Val171Ala (NM_001365778.1, NM_001407322.1, NM_001407323.1 and 1 more transcripts); short protein forms V129A, V171A, V93A.
Identifiers: ClinVar variation 3728258 (VCV003728258.2).
Genomic context (GRCh38, chr15:63,059,574, plus strand): 5'-GGAAGTTCAGCTCTAAATCTTGGGTTTTCTTGCTTGTCTTTCTTTTCAGAGGCATGAAAG[T>C]CATTGAGAGTCGAGCCCAAAAAGATGAAGAAAAAATGGAAATTCAGGAGATCCAACTGAA-3'
Protein context (NP_001018005.1, residues 119-139): AADESERGMK[Val129Ala]IESRAQKDEE